The following is an entry in ClinVar:

ClinVar aggregate classification (germline): Uncertain significance (1 of 4 stars; one submission).

Conditions:
Progressive sclerosing poliodystrophy (MTDPS4A). Also called: NEURONAL DEGENERATION OF CHILDHOOD WITH LIVER DISEASE, PROGRESSIVE; Alpers Syndrome; ALPERS DIFFUSE DEGENERATION OF CEREBRAL GRAY MATTER WITH HEPATIC CIRRHOSIS; Alpers-Huttenlocher Syndrome; Mitochondrial DNA depletion syndrome 4A (Alpers type); Mitochondrial DNA Depletion Syndrome 4A. Identifiers: Orphanet 726, MedGen C0205710, MONDO:0008758, OMIM 203700.

Allele frequency attached by ClinVar (database versions not stated): gnomAD exomes below 0.00001.
gnomAD v4.1: 1 of 1,613,350 alleles (0.000062%); highest among the groups gnomAD compares: South Asian, 0.0011%; no homozygotes.

Submission:

Labcorp Genetics (formerly Invitae), Labcorp
Classification: Uncertain significance for Progressive sclerosing poliodystrophy. Last evaluated: 2020-12-22. Review status: criteria provided, single submitter. Criteria: Invitae Variant Classification Sherloc (09022015). Collection method: clinical testing. Allele origin: germline.
Comment: This variant has not been reported in the literature in individuals with POLG-related conditions. This sequence change replaces isoleucine with leucine at codon 313 of the POLG protein (p.Ile313Leu). The isoleucine residue is weakly conserved and there is a small physicochemical difference between isoleucine and leucine. This variant is not present in population databases (ExAC no frequency). Algorithms developed to predict the effect of missense changes on protein structure and function (SIFT, PolyPhen-2, Align-GVGD) all suggest that this variant is likely to be tolerated, but these predictions have not been confirmed by published functional studies and their clinical significance is uncertain. In summary, the available evidence is currently insufficient to determine the role of this variant in disease. Therefore, it has been classified as a Variant of Uncertain Significance.

NM_002693.3(POLG):c.937A>C (p.Ile313Leu)

Gene: POLG (DNA polymerase gamma, catalytic subunit; minus strand). Cytogenetic location: 15q26.1.
Variant type: single nucleotide variant.
Coding change: c.937A>C on transcript NM_002693.3 (MANE Select); coding-DNA position 937, A replaced by C.
Protein change: p.Ile313Leu; replaces isoleucine 313 with leucine.
Molecular consequence: missense variant.
Genome position (GRCh38, 1-based): chr15:89,329,029, T>G on the plus strand (A>C on the coding strand, the complement: POLG is on the minus strand). VCF-style: chr15-89329029-T-G. GRCh37 (hg19) VCF-style: chr15-89872260-T-G.
Other names: c.937A>C, p.Ile313Leu (NM_001126131.2); short protein forms I313L.
Identifiers: ClinVar variation 1358609 (VCV001358609.8), dbSNP rs2055560967, ClinGen allele CA393765713.
Genomic context (GRCh38, chr15:89,329,029, plus strand): 5'-GGGACTTCTGGCCTTGCTTTGTGGGGGGCTGGACCTTGTGTTTGCCCTGCTTGGCTGCTA[T>G]CCACAGACTGCGCTGGAAGCTGCTTAGCCCTGAGATGGCCATGTGCATGCTCATGGTGTC-3'
Protein context (NP_002684.1, residues 303-323): GLSSFQRSLW[Ile313Leu]AAKQGKHKVQ